The following is an entry in ClinVar:

NM_014915.3(ANKRD26):c.4189A>T (p.Ile1397Phe)

Gene: ANKRD26 (ankyrin repeat domain 26; minus strand). Cytogenetic location: 10p12.1.
Variant type: single nucleotide variant.
Coding change: c.4189A>T on transcript NM_014915.3 (MANE Select); coding-DNA position 4189, A replaced by T.
Protein change: p.Ile1397Phe; replaces isoleucine 1397 with phenylalanine.
Molecular consequence: missense variant.
Genome position (GRCh38, 1-based): chr10:27,022,584, T>A on the plus strand (A>T on the coding strand, the complement: ANKRD26 is on the minus strand). VCF-style: chr10-27022584-T-A. GRCh37 (hg19) VCF-style: chr10-27311513-T-A.
Other names: c.4186A>T, p.Ile1396Phe (NM_001256053.2); short protein forms I1397F, I1396F.
Identifiers: ClinVar variation 4579234 (VCV004579234.1).

ClinVar aggregate classification (germline): Uncertain significance (1 of 4 stars; one submission).

Conditions:
Inborn genetic diseases. Identifiers: MedGen C0950123, MeSH D030342.

Submission:

Ambry Genetics
Classification: Uncertain significance for Inborn genetic diseases. Last evaluated: 2025-10-08. Review status: criteria provided, single submitter. Criteria: Ambry Variant Classification Scheme 2023. Collection method: clinical testing. Allele origin: germline.
Comment: The p.I1397F variant (also known as c.4189A>T), located in coding exon 29 of the ANKRD26 gene, results from an A to T substitution at nucleotide position 4189. The isoleucine at codon 1397 is replaced by phenylalanine, an amino acid with highly similar properties. This amino acid position is conserved. In addition, this alteration is predicted to be tolerated by in silico analysis. Based on the available evidence, the clinical significance of this variant remains unclear.